The following is an entry in ClinVar:

ClinVar aggregate classification (germline): Uncertain significance (1 of 4 stars; one submission).

Submission:

GeneDx
Classification: Uncertain significance. Last evaluated: 2022-06-06. Review status: criteria provided, single submitter. Criteria: GeneDx Variant Classification Process June 2021. Collection method: clinical testing. Allele origin: germline. Affected: yes.
Comment: Not observed at significant frequency in large population cohorts (gnomAD); In silico analysis supports that this missense variant does not alter protein structure/function; Has not been previously published as pathogenic or benign to our knowledge

NM_000552.5(VWF):c.8210G>A (p.Gly2737Glu)

Gene: VWF (von Willebrand factor; minus strand). Cytogenetic location: 12p13.31.
Variant type: single nucleotide variant.
Coding change: c.8210G>A on transcript NM_000552.5 (MANE Select); coding-DNA position 8210, G replaced by A.
Protein change: p.Gly2737Glu; replaces glycine 2737 with glutamic acid.
Molecular consequence: missense variant.
Genome position (GRCh38, 1-based): chr12:5,949,829, C>T on the plus strand (G>A on the coding strand, the complement: VWF is on the minus strand). VCF-style: chr12-5949829-C-T. GRCh37 (hg19) VCF-style: chr12-6058995-C-T.
Other names: short protein forms G2737E.
Identifiers: ClinVar variation 1803332 (VCV001803332.1), dbSNP rs2497345304, ClinGen allele CA383487095.